The following is an entry in ClinVar:

NM_018109.4(MTPAP):c.1606C>G (p.Pro536Ala)

Gene: MTPAP (mitochondrial poly(A) polymerase; minus strand). Cytogenetic location: 10p11.23.
Variant type: single nucleotide variant.
Coding change: c.1606C>G on transcript NM_018109.4 (MANE Select); coding-DNA position 1606, C replaced by G.
Protein change: p.Pro536Ala; replaces proline 536 with alanine.
Molecular consequence: missense variant.
Genome position (GRCh38, 1-based): chr10:30,313,752, G>C on the plus strand (C>G on the coding strand, the complement: MTPAP is on the minus strand). VCF-style: chr10-30313752-G-C. GRCh37 (hg19) VCF-style: chr10-30602681-G-C.
Other names: short protein forms P536A.
Identifiers: ClinVar variation 2019149 (VCV002019149.4), dbSNP rs2132841462, ClinGen allele CA376434281.

ClinVar aggregate classification (germline): Uncertain significance (1 of 4 stars; one submission).

Allele frequency attached by ClinVar (database versions not stated): gnomAD exomes 0.00001.
gnomAD v4.1: 3 of 1,614,106 alleles (0.00019%); highest among the groups gnomAD compares: Non-Finnish European, 0.00025%; no homozygotes.

Submission:

Labcorp Genetics (formerly Invitae), Labcorp
Classification: Uncertain significance. Last evaluated: 2025-04-28. Review status: criteria provided, single submitter. Criteria: Invitae Variant Classification Sherloc (09022015). Collection method: clinical testing. Allele origin: germline.
Comment: This sequence change replaces proline, which is neutral and non-polar, with alanine, which is neutral and non-polar, at codon 536 of the MTPAP protein (p.Pro536Ala). This variant is not present in population databases (gnomAD no frequency). This variant has not been reported in the literature in individuals affected with MTPAP-related conditions. ClinVar contains an entry for this variant (Variation ID: 2019149). An algorithm developed to predict the effect of missense changes on protein structure and function outputs the following: PolyPhen-2: "Benign". The alanine amino acid residue is found in multiple mammalian species, which suggests that this missense change does not adversely affect protein function. In summary, the available evidence is currently insufficient to determine the role of this variant in disease. Therefore, it has been classified as a Variant of Uncertain Significance.